The following is an entry in ClinVar:

ClinVar aggregate classification (germline): Uncertain significance. Review status: criteria provided, multiple submitters, no conflicts (2 of 4 stars). 2 submissions from 2 submitters: Uncertain significance (2). Last evaluated 2024-08-28.

Conditions:
Inborn genetic diseases. Identifiers: MedGen C0950123, MeSH D030342.

Allele frequency attached by ClinVar (database versions not stated): 1000 Genomes Project 30x 0.00016; 1000 Genomes Project 0.00020; gnomAD exomes 0.00031 and 0.00058; ExAC 0.00033; TOPMed 0.00039; gnomAD 0.00049 and 0.00052; ESP Exome Variant Server 0.00062.
gnomAD v4.1: 872 of 1,533,304 alleles (0.057%); highest among the groups gnomAD compares: Non-Finnish European, 0.073%; no homozygotes.

Submissions (2):

Ambry Genetics
Classification: Uncertain significance for Inborn genetic diseases. Last evaluated: 2024-08-28. Review status: criteria provided, single submitter. Criteria: Ambry Variant Classification Scheme 2023. Collection method: clinical testing. Allele origin: germline.

Labcorp Genetics (formerly Invitae), Labcorp
Classification: Uncertain significance. Last evaluated: 2022-08-27. Review status: criteria provided, single submitter. Criteria: Invitae Variant Classification Sherloc (09022015). Collection method: clinical testing. Allele origin: germline.
Comment: This sequence change replaces arginine, which is basic and polar, with tryptophan, which is neutral and slightly polar, at codon 98 of the FARSB protein (p.Arg98Trp). This variant is present in population databases (rs141167193, gnomAD 0.06%). This variant has not been reported in the literature in individuals affected with FARSB-related conditions. ClinVar contains an entry for this variant (Variation ID: 1044199). Algorithms developed to predict the effect of missense changes on protein structure and function (SIFT, PolyPhen-2, Align-GVGD) all suggest that this variant is likely to be tolerated. In summary, the available evidence is currently insufficient to determine the role of this variant in disease. Therefore, it has been classified as a Variant of Uncertain Significance.

NM_005687.5(FARSB):c.292C>T (p.Arg98Trp)

Gene: FARSB (phenylalanyl-tRNA synthetase subunit beta; minus strand). Cytogenetic location: 2q36.1.
Variant type: single nucleotide variant.
Coding change: c.292C>T on transcript NM_005687.5 (MANE Select); coding-DNA position 292, C replaced by T.
Protein change: p.Arg98Trp; replaces arginine 98 with tryptophan.
Molecular consequence: missense variant. On other transcripts: non-coding transcript variant (1).
Genome position (GRCh38, 1-based): chr2:222,640,909, G>A on the plus strand (C>T on the coding strand, the complement: FARSB is on the minus strand). VCF-style: chr2-222640909-G-A. GRCh37 (hg19) VCF-style: chr2-223505628-G-A.
Other names: c.292C>T (NM_005687.3); short protein forms R98W.
Identifiers: ClinVar variation 1044199 (VCV001044199.4), dbSNP rs141167193, ClinGen allele CA2136700.